The following is an entry in ClinVar:

ClinVar aggregate classification (germline): Uncertain significance (1 of 4 stars; one submission).

Conditions:
SHORT syndrome. Also called: LIPODYSTROPHY, PARTIAL, WITH RIEGER ANOMALY AND SHORT STATURE; PIK3R1-Related SHORT Syndrome; SHORT STATURE, HYPEREXTENSIBILITY, HERNIA, OCULAR DEPRESSION, RIEGER ANOMALY, AND TEETHING DELAY. Identifiers: Orphanet 3163, MedGen C0878684, MONDO:0010026, OMIM 269880.
Agammaglobulinemia 7, autosomal recessive (AGM7). Also called: AGAMMAGLOBULINEMIA, AUTOSOMAL RECESSIVE, DUE TO PIK3R1 DEFECT. Identifiers: MedGen C3554689, MONDO:0014083, OMIM 615214.
Immunodeficiency 36 with lymphoproliferation. Also called: Immunodeficiency 36; ACTIVATED PI3K-DELTA SYNDROME 2; Activated PI3K Delta Syndrome Type 2 (APDS2). Identifiers: Orphanet 397596, Orphanet 693681, MedGen C4014934, MONDO:0014453, OMIM 616005.

Allele frequency attached by ClinVar (database versions not stated): gnomAD exomes below 0.00001.
gnomAD v4.1: 2 of 1,613,384 alleles (0.00012%); highest among the groups gnomAD compares: African/African-American, 0.0013%; no homozygotes.

Submission:

Labcorp Genetics (formerly Invitae), Labcorp
Classification: Uncertain significance for SHORT syndrome; Immunodeficiency 36 with lymphoproliferation; Agammaglobulinemia 7, autosomal recessive. Last evaluated: 2022-01-11. Review status: criteria provided, single submitter. Criteria: Invitae Variant Classification Sherloc (09022015). Collection method: clinical testing. Allele origin: germline.
Comment: This sequence change replaces serine, which is neutral and polar, with proline, which is neutral and non-polar, at codon 171 of the PIK3R1 protein (p.Ser171Pro). This variant is present in population databases (no rsID available, gnomAD 0.0009%). This variant has not been reported in the literature in individuals affected with PIK3R1-related conditions. Algorithms developed to predict the effect of missense changes on protein structure and function (SIFT, PolyPhen-2, Align-GVGD) all suggest that this variant is likely to be tolerated. In summary, the available evidence is currently insufficient to determine the role of this variant in disease. Therefore, it has been classified as a Variant of Uncertain Significance.

NM_181523.3(PIK3R1):c.511T>C (p.Ser171Pro)

Gene: PIK3R1 (phosphoinositide-3-kinase regulatory subunit 1; plus strand). Cytogenetic location: 5q13.1.
Variant type: single nucleotide variant.
Coding change: c.511T>C on transcript NM_181523.3 (MANE Select); coding-DNA position 511, T replaced by C.
Protein change: p.Ser171Pro; replaces serine 171 with proline.
Molecular consequence: missense variant.
Genome position (GRCh38, 1-based): chr5:68,279,610, T>C. VCF-style: chr5-68279610-T-C. GRCh37 (hg19) VCF-style: chr5-67575438-T-C.
Other names: short protein forms S171P.
Identifiers: ClinVar variation 1355364 (VCV001355364.8), dbSNP rs1440086188, ClinGen allele CA359873711.
Genomic context (GRCh38, chr5:68,279,610, plus strand): 5'-TGATGTATTCTATAAAATAAATGTCTGAAATATTTCTTAAATTGTTTCCTAGATACACCC[T>C]CCGTGGACTTGGAAATGATCGATGTGCACGTTTTGGCTGACGCTTTCAAACGCTATCTCC-3'
Protein context (NP_852664.1, residues 161-181): LRQLLDCDTP[Ser171Pro]VDLEMIDVHV